The following is an entry in ClinVar:

NM_001079537.2(TRAPPC6B):c.327A>G (p.Lys109=)

Gene: TRAPPC6B (trafficking protein particle complex subunit 6B; minus strand). Cytogenetic location: 14q21.1.
Variant type: single nucleotide variant.
Coding change: c.327A>G on transcript NM_001079537.2 (MANE Select); coding-DNA position 327, A replaced by G.
Protein change: p.Lys109=; no amino-acid change (lysine 109 retained).
Molecular consequence: synonymous variant. On other transcripts: intron variant (1).
Genome position (GRCh38, 1-based): chr14:39,154,235, T>C on the plus strand (A>G on the coding strand, the complement: TRAPPC6B is on the minus strand). VCF-style: chr14-39154235-T-C. GRCh37 (hg19) VCF-style: chr14-39623439-T-C.
Other names: c.268-2396A>G (NM_177452.4); c.327A>G (NM_001079537.1).
Identifiers: ClinVar variation 1645020 (VCV001645020.11), dbSNP rs192501480, ClinGen allele CA7162776.

ClinVar aggregate classification (germline): Benign. Review status: criteria provided, multiple submitters, no conflicts (2 of 4 stars). 3 submissions from 3 submitters: Benign (2). 1 of the submissions does not count toward it. Last evaluated 2024-10-25.

Conditions:
TRAPPC6B-related disorder. Also called: TRAPPC6B-related condition.

Allele frequency attached by ClinVar (database versions not stated): gnomAD 0.00074 and 0.00078; 1000 Genomes Project 30x 0.00078; gnomAD exomes 0.00008 and 0.00014; ExAC 0.00021; ESP Exome Variant Server 0.00042; 1000 Genomes Project 0.00060; TOPMed 0.00069.
gnomAD v4.1: 234 of 1,612,750 alleles (0.015%); highest among the groups gnomAD compares: African/African-American, 0.27%; 2 homozygotes.

Submissions (3):

Labcorp Genetics (formerly Invitae), Labcorp
Classification: Benign. Last evaluated: 2024-10-25. Review status: criteria provided, single submitter. Criteria: Invitae Variant Classification Sherloc (09022015). Collection method: clinical testing. Allele origin: germline.

Breakthrough Genomics
Classification: Benign. Review status: criteria provided, single submitter. Criteria: ACMG Guidelines, 2015. Collection method: not provided. Allele origin: germline. Inheritance: Autosomal recessive inheritance. Affected: yes.

PreventionGenetics, part of Exact Sciences
Classification: Likely benign for TRAPPC6B-related condition. Last evaluated: 2019-05-30. Review status: no assertion criteria provided. Collection method: clinical testing. Allele origin: germline. Not counted in ClinVar's aggregate classification.
Comment: This variant is classified as likely benign based on ACMG/AMP sequence variant interpretation guidelines (Richards et al. 2015 PMID: 25741868, with internal and published modifications).